The following is an entry in ClinVar:

ClinVar aggregate classification (germline): Uncertain significance. Review status: criteria provided, multiple submitters, no conflicts (2 of 4 stars). 2 submissions from 2 submitters: Uncertain significance (2). Last evaluated 2024-06-24.

Conditions:
Familial thoracic aortic aneurysm and aortic dissection (TAAD). Also called: Thoracic aortic aneurysms and dissections. Identifiers: Orphanet 91387, MedGen C4707243, MONDO:0019625.

Submissions (2):

Color Diagnostics, LLC DBA Color Health
Classification: Uncertain significance for Familial thoracic aortic aneurysm and aortic dissection. Last evaluated: 2024-06-24. Review status: criteria provided, single submitter. Criteria: ACMG Guidelines, 2015. Collection method: clinical testing. Allele origin: germline.
Comment: This missense variant replaces serine with cysteine at codon 94 of the TGFBR1 protein. Computational prediction suggests that this variant may not impact protein structure and function (internally defined REVEL score threshold <= 0.5, PMID: 27666373). To our knowledge, functional studies have not been reported for this variant. This variant has not been reported in individuals affected with TGFBR1-related disorders in the literature. This variant has not been identified in the general population by the Genome Aggregation Database (gnomAD). The available evidence is insufficient to determine the role of this variant in disease conclusively. Therefore, this variant is classified as a Variant of Uncertain Significance.

Labcorp Genetics (formerly Invitae), Labcorp
Classification: Uncertain significance for Familial thoracic aortic aneurysm and aortic dissection. Last evaluated: 2023-01-09. Review status: criteria provided, single submitter. Criteria: Invitae Variant Classification Sherloc (09022015). Collection method: clinical testing. Allele origin: germline.
Comment: In summary, the available evidence is currently insufficient to determine the role of this variant in disease. Therefore, it has been classified as a Variant of Uncertain Significance. Advanced modeling of protein sequence and biophysical properties (such as structural, functional, and spatial information, amino acid conservation, physicochemical variation, residue mobility, and thermodynamic stability) performed at Invitae indicates that this missense variant is not expected to disrupt TGFBR1 protein function. This variant has not been reported in the literature in individuals affected with TGFBR1-related conditions. This variant is not present in population databases (gnomAD no frequency). This sequence change replaces serine, which is neutral and polar, with cysteine, which is neutral and slightly polar, at codon 94 of the TGFBR1 protein (p.Ser94Cys).

NM_004612.4(TGFBR1):c.281C>G (p.Ser94Cys)

Gene: TGFBR1 (transforming growth factor beta receptor 1; plus strand). Cytogenetic location: 9q22.33.
Variant type: single nucleotide variant.
Coding change: c.281C>G on transcript NM_004612.4 (MANE Select); coding-DNA position 281, C replaced by G.
Protein change: p.Ser94Cys; replaces serine 94 with cysteine.
Molecular consequence: missense variant. On other transcripts: non-coding transcript variant (4), intron variant (3).
Genome position (GRCh38, 1-based): chr9:99,129,038, C>G. VCF-style: chr9-99129038-C-G. GRCh37 (hg19) VCF-style: chr9-101891320-C-G.
Other names: c.281C>G, p.Ser94Cys (NM_001407417.1, NM_001407435.1, NM_001130916.3 and 2 more transcripts); c.74C>G, p.Ser25Cys (NM_001407418.1, NM_001407419.1, NM_001407420.1 and 12 more transcripts); c.98-3471C>G (NM_001407436.1); c.98-8821C>G (NM_001407438.1); c.98-13498C>G (NM_001407437.1); short protein forms S25C, S94C.
Identifiers: ClinVar variation 2827363 (VCV002827363.4), dbSNP rs1318691450, ClinGen allele CA374226156.